The following is an entry in ClinVar:

ClinVar aggregate classification (germline): Uncertain significance (1 of 4 stars; one submission).

gnomAD v4.1: 4 of 1,614,160 alleles (0.00025%); highest among the groups gnomAD compares: South Asian, 0.0033%; no homozygotes.

Submission:

GeneDx
Classification: Uncertain significance. Last evaluated: 2025-07-22. Review status: criteria provided, single submitter. Criteria: GeneDx Variant Classification Process June 2021. Collection method: clinical testing. Allele origin: germline. Affected: yes.
Comment: In silico analysis supports that this missense variant has a deleterious effect on protein structure/function; Has not been previously published as pathogenic or benign to our knowledge

NM_004733.4(SLC33A1):c.281G>A (p.Ser94Asn)

Gene: SLC33A1 (solute carrier family 33 member 1; minus strand). Cytogenetic location: 3q25.31.
Variant type: single nucleotide variant.
Coding change: c.281G>A on transcript NM_004733.4 (MANE Select); coding-DNA position 281, G replaced by A.
Protein change: p.Ser94Asn; replaces serine 94 with asparagine.
Molecular consequence: missense variant.
Genome position (GRCh38, 1-based): chr3:155,853,717, C>T on the plus strand (G>A on the coding strand, the complement: SLC33A1 is on the minus strand). VCF-style: chr3-155853717-C-T. GRCh37 (hg19) VCF-style: chr3-155571506-C-T.
Other names: c.281G>A, p.Ser94Asn (NM_001190992.2, NM_001363883.1); short protein forms S94N.
Identifiers: ClinVar variation 4686799 (VCV004686799.1).